The following is an entry in ClinVar:

NM_000701.8(ATP1A1):c.2707G>A (p.Gly903Arg)

Genes: ATP1A1 (ATPase Na+/K+ transporting subunit alpha 1; plus strand), ATP1A1-AS1 (ATP1A1 antisense RNA 1; minus strand). Cytogenetic location: 1p13.1.
Variant type: single nucleotide variant.
Coding change: c.2707G>A on transcript NM_000701.8 (MANE Select); coding-DNA position 2707, G replaced by A.
Protein change: p.Gly903Arg; replaces glycine 903 with arginine.
Molecular consequence: missense variant. On other transcripts: non-coding transcript variant (2).
Genome position (GRCh38, 1-based): chr1:116,400,995, G>A. VCF-style: chr1-116400995-G-A. GRCh37 (hg19) VCF-style: chr1-116943617-G-A.
Other names: p.Gly903Arg; c.2614G>A, p.Gly872Arg (NM_001160234.2); c.2707G>A, p.Gly903Arg (NM_001160233.2); c.2707G>A (NM_000701.7); short protein forms G872R, G903R.
Identifiers: ClinVar variation 1308239 (VCV001308239.11), dbSNP rs983463553, ClinGen allele CA29667477.
Genomic context (GRCh38, chr1:116,400,995, plus strand): 5'-CTGTTGGGCCTCCGAGTGGACTGGGATGACCGCTGGATCAACGATGTGGAAGACAGCTAC[G>A]GGCAGCAGTGGGTGAGTGGGCACCTCTGACCTGACCAGTGTCAGAGCTCCTCAAGCCCCA-3'
Protein context (NP_000692.2, residues 893-913): RWINDVEDSY[Gly903Arg]QQWTYEQRKI

ClinVar aggregate classification (germline): Conflicting classifications of pathogenicity. Review status: criteria provided, conflicting classifications (1 of 4 stars). 4 submissions from 4 submitters: Pathogenic (2); Uncertain significance (1). 1 of the submissions does not count toward it. Last evaluated 2026-02-10.

Conditions:
ATP1A1-related disorder. Also called: ATP1A1-related condition.

Submissions (4):

GeneDx
Classification: Pathogenic. Last evaluated: 2026-02-10. Review status: criteria provided, single submitter. Criteria: GeneDx Variant Classification Process June 2021. Collection method: clinical testing. Allele origin: germline. Affected: yes.
Comment: Published functional studies suggest a damaging effect on ATPase function (PMID: 38504481); Not observed at significant frequency in large population cohorts (gnomAD); In silico analysis supports that this missense variant has a deleterious effect on protein structure/function; This variant is associated with the following publications: (PMID: 35982159, 31785789, 28714951, 31332282, 35982160, 28191890, 33057194, 38504481, 41238153)

Undiagnosed Diseases Network, NIH
Classification: Pathogenic for ATP1A1-related condition. Last evaluated: 2024-08-20. Review status: criteria provided, single submitter. Criteria: ACMG Guidelines, 2015. Collection method: clinical testing. Allele origin: unknown. Affected: yes. Observed: 1 heterozygote. Study: Undiagnosed Diseases Network (NIH), UDN.

Labcorp Genetics (formerly Invitae), Labcorp
Classification: Uncertain significance. Last evaluated: 2023-07-03. Review status: criteria provided, single submitter. Criteria: Invitae Variant Classification Sherloc (09022015). Collection method: clinical testing. Allele origin: germline.
Comment: In summary, the available evidence is currently insufficient to determine the role of this variant in disease. Therefore, it has been classified as a Variant of Uncertain Significance. Advanced modeling of protein sequence and biophysical properties (such as structural, functional, and spatial information, amino acid conservation, physicochemical variation, residue mobility, and thermodynamic stability) performed at Invitae indicates that this missense variant is expected to disrupt ATP1A1 protein function. ClinVar contains an entry for this variant (Variation ID: 1308239). This missense change has been observed in individual(s) with autism spectrum disorder features (PMID: 28714951, 31332282, 31785789). This variant is not present in population databases (gnomAD no frequency). This sequence change replaces glycine, which is neutral and non-polar, with arginine, which is basic and polar, at codon 903 of the ATP1A1 protein (p.Gly903Arg).

PreventionGenetics, part of Exact Sciences
Classification: Uncertain significance for ATP1A1-related condition. Last evaluated: 2023-12-01. Review status: no assertion criteria provided. Collection method: clinical testing. Allele origin: germline. Not counted in ClinVar's aggregate classification.
Comment: The ATP1A1 c.2707G>A variant is predicted to result in the amino acid substitution p.Gly903Arg. This variant was reported to have occurred de novo in an individual with autism spectrum disorder (Supplementary Table 1, Kosmicki et al. 2017. PubMed ID: 28191890). This variant has not been reported in a large population database, indicating this variant is rare. At this time, the clinical significance of this variant is uncertain due to the absence of conclusive functional and genetic evidence.

Literature cited by the submitters: PubMed 28714951 (cited by Labcorp Genetics (formerly Invitae), Labcorp); PubMed 31332282 (cited by Labcorp Genetics (formerly Invitae), Labcorp); PubMed 31785789 (cited by Labcorp Genetics (formerly Invitae), Labcorp).